The following is an entry in ClinVar:

NM_014991.6(WDFY3):c.6407A>T (p.His2136Leu)

Gene: WDFY3 (WD repeat and FYVE domain containing 3; minus strand). Cytogenetic location: 4q21.23.
Variant type: single nucleotide variant.
Coding change: c.6407A>T on transcript NM_014991.6 (MANE Select); coding-DNA position 6407, A replaced by T.
Protein change: p.His2136Leu; replaces histidine 2136 with leucine.
Molecular consequence: missense variant.
Genome position (GRCh38, 1-based): chr4:84,740,244, T>A on the plus strand (A>T on the coding strand, the complement: WDFY3 is on the minus strand). VCF-style: chr4-84740244-T-A. GRCh37 (hg19) VCF-style: chr4-85661397-T-A.
Other names: short protein forms H2136L.
Identifiers: ClinVar variation 2574271 (VCV002574271.2), dbSNP rs2532081820, ClinGen allele CA357556022.

ClinVar aggregate classification (germline): Uncertain significance (1 of 4 stars; one submission).

Submission:

GeneDx
Classification: Uncertain significance. Last evaluated: 2025-02-23. Review status: criteria provided, single submitter. Criteria: GeneDx Variant Classification Process June 2021. Collection method: clinical testing. Allele origin: germline. Affected: yes.
Comment: Not observed at significant frequency in large population cohorts (gnomAD); In silico analysis supports that this missense variant has a deleterious effect on protein structure/function; Has not been previously published as pathogenic or benign to our knowledge